The following is an entry in ClinVar:

NM_004304.5(ALK):c.2122T>G (p.Ser708Ala)

Gene: ALK (ALK receptor tyrosine kinase; minus strand). Cytogenetic location: 2p23.2.
Variant type: single nucleotide variant.
Coding change: c.2122T>G on transcript NM_004304.5 (MANE Select); coding-DNA position 2122, T replaced by G.
Protein change: p.Ser708Ala; replaces serine 708 with alanine.
Molecular consequence: missense variant.
Genome position (GRCh38, 1-based): chr2:29,251,187, A>C on the plus strand (T>G on the coding strand, the complement: ALK is on the minus strand). VCF-style: chr2-29251187-A-C. GRCh37 (hg19) VCF-style: chr2-29474053-A-C.
Other names: short protein forms S708A.
Identifiers: ClinVar variation 2447096 (VCV002447096.4), dbSNP rs2148197461, ClinGen allele CA346476967.
Genomic context (GRCh38, chr2:29,251,187, plus strand): 5'-CCTTCCAGATCTGGATGCCTTTCAGGGGGCCCTCGCTCCCCACCTCCACGCTCAGGTTGG[A>C]GTTCTGGTAGGCGTTGTTGCACTGTGCCTGGGTGGGGCCATGGGGCCCGCTGGCCCCACA-3'
Protein context (NP_004295.2, residues 698-718): QAQCNNAYQN[Ser708Ala]NLSVEVGSEG

ClinVar aggregate classification (germline): Uncertain significance. Review status: criteria provided, multiple submitters, no conflicts (2 of 4 stars). 2 submissions from 2 submitters: Uncertain significance (2). Last evaluated 2025-03-29.

Conditions:
Hereditary cancer-predisposing syndrome. Also called: Neoplastic Syndromes, Hereditary; Hereditary Cancer Syndrome; Tumor predisposition; Hereditary neoplastic syndrome. Identifiers: Orphanet 140162, MedGen C0027672, MeSH D009386, MONDO:0015356.

gnomAD v4.1: 1 of 1,614,050 alleles (0.000062%); highest among the groups gnomAD compares: Non-Finnish European, 0.000085%; no homozygotes.

Submissions (2):

Ambry Genetics
Classification: Uncertain significance for Hereditary cancer-predisposing syndrome. Last evaluated: 2025-03-29. Review status: criteria provided, single submitter. Criteria: Ambry Variant Classification Scheme 2023. Collection method: clinical testing. Allele origin: germline.
Comment: The p.S708A variant (also known as c.2122T>G), located in coding exon 12 of the ALK gene, results from a T to G substitution at nucleotide position 2122. The serine at codon 708 is replaced by alanine, an amino acid with similar properties. This amino acid position is conserved. In addition, this alteration is predicted to be tolerated by in silico analysis. Since supporting evidence is limited at this time, the clinical significance of this alteration remains unclear.

GeneDx
Classification: Uncertain significance. Last evaluated: 2023-01-12. Review status: criteria provided, single submitter. Criteria: GeneDx Variant Classification Process June 2021. Collection method: clinical testing. Allele origin: germline. Affected: yes.
Comment: Not observed at significant frequency in large population cohorts (gnomAD); In silico analysis supports that this missense variant does not alter protein structure/function; Has not been previously published as pathogenic or benign to our knowledge